The following is an entry in ClinVar:

ClinVar aggregate classification (germline): Uncertain significance. Review status: criteria provided, multiple submitters, no conflicts (2 of 4 stars). 2 submissions from 2 submitters: Uncertain significance (2). Last evaluated 2021-12-03.

Conditions:
Neuromuscular disease caused by qualitative or quantitative defects of dysferlin. Also called: Dysferlinopathy; Qualitative or quantitative defects of dysferlin. Identifiers: Orphanet 207073, MedGen C2931687, MONDO:0016145.

Allele frequency attached by ClinVar (database versions not stated): gnomAD exomes below 0.00001; gnomAD 0.00001; TOPMed 0.00001.
gnomAD v4.1: 6 of 1,614,018 alleles (0.00037%); highest among the groups gnomAD compares: Non-Finnish European, 0.00034%; no homozygotes.

Submissions (2):

Labcorp Genetics (formerly Invitae), Labcorp
Classification: Uncertain significance for Neuromuscular disease caused by qualitative or quantitative defects of dysferlin. Last evaluated: 2021-12-03. Review status: criteria provided, single submitter. Criteria: Invitae Variant Classification Sherloc (09022015). Collection method: clinical testing. Allele origin: germline.
Comment: This sequence change replaces glutamic acid, which is acidic and polar, with glycine, which is neutral and non-polar, at codon 531 of the DYSF protein (p.Glu531Gly). This variant is present in population databases (no rsID available, gnomAD 0.0009%). This variant has not been reported in the literature in individuals affected with DYSF-related conditions. Advanced modeling of protein sequence and biophysical properties (such as structural, functional, and spatial information, amino acid conservation, physicochemical variation, residue mobility, and thermodynamic stability) performed at Invitae indicates that this missense variant is expected to disrupt DYSF protein function. In summary, the available evidence is currently insufficient to determine the role of this variant in disease. Therefore, it has been classified as a Variant of Uncertain Significance.

Revvity Omics, Revvity
Classification: Uncertain significance. Last evaluated: 2020-02-24. Review status: criteria provided, single submitter. Criteria: ACMG Guidelines, 2015. Collection method: clinical testing. Allele origin: germline.

NM_001130987.2(DYSF):c.1646A>G (p.Glu549Gly)

Gene: DYSF (dysferlin; plus strand). Cytogenetic location: 2p13.2.
Variant type: single nucleotide variant.
Coding change: c.1646A>G on transcript NM_001130987.2 (MANE Select); coding-DNA position 1646, A replaced by G.
Protein change: p.Glu549Gly; replaces glutamic acid 549 with glycine.
Molecular consequence: missense variant.
Genome position (GRCh38, 1-based): chr2:71,551,110, A>G. VCF-style: chr2-71551110-A-G. GRCh37 (hg19) VCF-style: chr2-71778240-A-G.
Other names: c.1592A>G (NM_003494.3); c.1595A>G, p.Glu532Gly (NM_001130455.2, NM_001130983.2); c.1550A>G, p.Glu517Gly (NM_001130976.2, NM_001130977.2); c.1592A>G, p.Glu531Gly (NM_001130978.2, NM_003494.4); c.1685A>G, p.Glu562Gly (NM_001130979.2); c.1643A>G, p.Glu548Gly (NM_001130980.2, NM_001130981.2); c.1688A>G, p.Glu563Gly (NM_001130982.2); c.1553A>G, p.Glu518Gly (NM_001130984.2, NM_001130986.2); and 1 more; short protein forms E517G, E518G, E549G, E531G, E532G, E548G, E562G, E563G.
Identifiers: ClinVar variation 1409880 (VCV001409880.5), dbSNP rs1042441672, ClinGen allele CA49792919.
Genomic context (GRCh38, chr2:71,551,110, plus strand): 5'-ACCTGGGCTTCCTCCCCACTTTTGGGCCCTGCTACATCAACCTCTATGGCAGTCCCAGAG[A>G]GTTCACAGGCTTCCCAGACCCCTACACAGAGCTCAACACAGGCAAGGTAAGCCGGCTGGA-3'
Protein context (NP_001124459.1, residues 539-559): CYINLYGSPR[Glu549Gly]FTGFPDPYTE